The following is an entry in ClinVar:

NM_000088.4(COL1A1):c.700G>C (p.Glu234Gln)

Genes: COL1A1 (collagen type I alpha 1 chain; minus strand), LOC126862586 (CDK7 strongly-dependent group 2 enhancer GRCh37_chr17:48273702-48274901; plus strand). Cytogenetic location: 17q21.33.
Variant type: single nucleotide variant.
Coding change: c.700G>C on transcript NM_000088.4 (MANE Select); coding-DNA position 700, G replaced by C.
Protein change: p.Glu234Gln; replaces glutamic acid 234 with glutamine.
Molecular consequence: missense variant.
Genome position (GRCh38, 1-based): chr17:50,197,230, C>G on the plus strand (G>C on the coding strand, the complement: COL1A1 is on the minus strand). VCF-style: chr17-50197230-C-G. GRCh37 (hg19) VCF-style: chr17-48274591-C-G.
Other names: short protein forms E234Q.
Identifiers: ClinVar variation 4280718 (VCV004280718.1).
Genomic context (GRCh38, chr17:50,197,230, plus strand): 5'-CCCTGCTCACCTGAGGCCCAGGAGGCCCACGCTCACCAGGACGACCAGGTTTTCCAGCTT[C>G]CCCCTGAGAGGGAGAGAAAAGACCATCATGCCTCTGCCTCCCCACCACCGCCTAGGGGCT-3'
Protein context (NP_000079.2, residues 224-244): GPPGKNGDDG[Glu234Gln]AGKPGRPGER

ClinVar aggregate classification (germline): Uncertain significance (1 of 4 stars; one submission).

Conditions:
Osteogenesis imperfecta type I (OI1). Also called: OI, TYPE I; OSTEOGENESIS IMPERFECTA TARDA; OSTEOGENESIS IMPERFECTA WITH BLUE SCLERAE; Osteogenesis imperfecta type 1; Lobstein's Disease; Lobstein disease. Identifiers: Orphanet 216796, Orphanet 666, MedGen C0023931, MONDO:0008146, OMIM 166200. Disease mechanism: loss of function.

Submission:

Laboratory of Genetic Skeletal Anomaly, Seoul National University Children's Hospital
Classification: Uncertain significance for Osteogenesis imperfecta type I. Last evaluated: 2025-03-01. Review status: criteria provided, single submitter. Criteria: ACMG Guidelines, 2015. Collection method: research. Allele origin: germline. Affected: yes.
Comment: This variant is a novel variant not previously reported in the literature or population databases. It was classified based on available in silico predictions and absence from gnomAD.